The following is an entry in ClinVar:

ClinVar aggregate classification (germline): Uncertain significance. Review status: criteria provided, multiple submitters, no conflicts (2 of 4 stars). 4 submissions from 4 submitters: Uncertain significance (4). Last evaluated 2025-11-04.

Conditions:
Neutropenia, severe congenital, 2, autosomal dominant. Identifiers: Orphanet 486, MedGen C2751288, MONDO:0013139, OMIM 613107.
Nonimmune chronic idiopathic neutropenia of adults. Identifiers: Orphanet 2688, MedGen C1842930, MONDO:0011922, OMIM 607847.

Allele frequency attached by ClinVar (database versions not stated): gnomAD 0.00001.

Submissions (4):

Labcorp Genetics (formerly Invitae), Labcorp
Classification: Uncertain significance for Neutropenia, severe congenital, 2, autosomal dominant. Last evaluated: 2025-11-04. Review status: criteria provided, single submitter. Criteria: Invitae Variant Classification Sherloc (09022015). Collection method: clinical testing. Allele origin: germline.
Comment: This sequence change replaces alanine, which is neutral and non-polar, with serine, which is neutral and polar, at codon 193 of the GFI1 protein (p.Ala193Ser). This variant is not present in population databases (gnomAD no frequency). This variant has not been reported in the literature in individuals affected with GFI1-related conditions. ClinVar contains an entry for this variant (Variation ID: 1030899). Invitae Evidence Modeling of protein sequence and biophysical properties (such as structural, functional, and spatial information, amino acid conservation, physicochemical variation, residue mobility, and thermodynamic stability) indicates that this missense variant is not expected to disrupt GFI1 protein function with a negative predictive value of 80%. In summary, the available evidence is currently insufficient to determine the role of this variant in disease. Therefore, it has been classified as a Variant of Uncertain Significance.

Ambry Genetics
Classification: Uncertain significance. Last evaluated: 2025-01-24. Review status: criteria provided, single submitter. Criteria: Ambry Variant Classification Scheme 2023. Collection method: clinical testing. Allele origin: germline.

Blueprint Genetics
Classification: Uncertain significance. Last evaluated: 2021-04-01. Review status: criteria provided, single submitter. Criteria: ACMG Guidelines, 2015. Collection method: clinical testing. Allele origin: germline.

Baylor Genetics
Classification: Uncertain significance for Nonimmune chronic idiopathic neutropenia of adults. Last evaluated: 2019-10-25. Review status: criteria provided, single submitter. Criteria: ACMG Guidelines, 2015. Collection method: clinical testing. Allele origin: unknown. Affected: yes.
Comment: This variant was determined to be of uncertain significance according to ACMG Guidelines, 2015 [PMID:25741868].

NM_005263.5(GFI1):c.577G>T (p.Ala193Ser)

Gene: GFI1 (growth factor independent 1 transcriptional repressor; minus strand). Cytogenetic location: 1p22.1.
Variant type: single nucleotide variant.
Coding change: c.577G>T on transcript NM_005263.5 (MANE Select); coding-DNA position 577, G replaced by T.
Protein change: p.Ala193Ser; replaces alanine 193 with serine.
Molecular consequence: missense variant.
Genome position (GRCh38, 1-based): chr1:92,480,810, C>A on the plus strand (G>T on the coding strand, the complement: GFI1 is on the minus strand). VCF-style: chr1-92480810-C-A. GRCh37 (hg19) VCF-style: chr1-92946367-C-A.
Other names: c.577G>T, p.Ala193Ser (NM_001127215.3, NM_001127216.3); short protein forms A193S.
Identifiers: ClinVar variation 1030899 (VCV001030899.10), dbSNP rs765205557, ClinGen allele CA341149557.